The following is an entry in ClinVar:

ClinVar aggregate classification (germline): Benign/Likely benign. Review status: criteria provided, multiple submitters, no conflicts (2 of 4 stars). 9 submissions from 9 submitters: Benign (3); Likely benign (6). Last evaluated 2026-08-01.

Conditions:
Cardiovascular phenotype. Identifiers: MedGen CN230736.
Noonan syndrome 9 (NS9). Identifiers: Orphanet 648, MedGen C4225282, MONDO:0014691, OMIM 616559.

Allele frequency attached by ClinVar (database versions not stated): ExAC 0.00031; gnomAD exomes 0.00034; TOPMed 0.00043; gnomAD 0.00044 and 0.00046; ESP Exome Variant Server 0.00077.
gnomAD v4.1: 1,361 of 1,609,548 alleles (0.085%); highest among the groups gnomAD compares: Non-Finnish European, 0.11%; 2 homozygotes.

Submissions (12):

CeGaT Center for Human Genetics Tuebingen
Classification: Likely benign. Last evaluated: 2026-08-01. Review status: criteria provided, single submitter. Criteria: CeGaT Center For Human Genetics Tuebingen Variant Classification Criteria Version 2. Collection method: clinical testing. Allele origin: germline. Affected: yes. Observed: 2 variant alleles.
Comment: SOS2: PP3, BS1

Labcorp Genetics (formerly Invitae), Labcorp
Classification: Likely benign for Noonan syndrome 9. Last evaluated: 2026-01-15. Review status: criteria provided, single submitter. Criteria: Invitae Variant Classification Sherloc (09022015). Collection method: clinical testing. Allele origin: germline.

Mayo Clinic Laboratories, Mayo Clinic
Classification: Likely benign. Last evaluated: 2025-04-14. Review status: criteria provided, single submitter. Criteria: ACMG Guidelines, 2015. Collection method: clinical testing. Allele origin: germline. Observed: 1 variant allele.
Comment: BS1

Blueprint Genetics
Classification: Likely benign. Last evaluated: 2024-11-18. Review status: criteria provided, single submitter. Criteria: ACMG Guidelines, 2015. Collection method: clinical testing. Allele origin: germline.

ARUP Laboratories, Molecular Genetics and Genomics, ARUP Laboratories
Classification: Likely benign for Noonan syndrome 9. Last evaluated: 2023-10-16. Review status: criteria provided, single submitter. Criteria: ARUP Molecular Germline Variant Investigation Process 2024. Collection method: clinical testing. Allele origin: germline.

Women's Health and Genetics/Laboratory Corporation of America, LabCorp
Classification: Benign. Last evaluated: 2022-08-20. Review status: criteria provided, single submitter. Criteria: LabCorp Variant Classification Summary - May 2015. Collection method: clinical testing. Allele origin: germline.

GeneDx
Classification: Benign. Last evaluated: 2021-05-28. Review status: criteria provided, single submitter. Criteria: GeneDx Variant Classification Process June 2021. Collection method: clinical testing. Allele origin: germline. Affected: yes.

Ambry Genetics
Classification: Likely benign for Cardiovascular phenotype. Last evaluated: 2019-11-26. Review status: criteria provided, single submitter. Criteria: Ambry Variant Classification Scheme 2023. Collection method: clinical testing. Allele origin: germline.

Genome-Nilou Lab
Classification: Benign for Noonan syndrome 9. Review status: criteria provided, single submitter. Criteria: ACMG Guidelines, 2015. Collection method: clinical testing. Allele origin: germline.

Dr. Peter K. Rogan Lab, Western University
No classification provided (evidence only). Condition: Clear cell carcinoma of kidney. Review status: no classification provided. Collection method: in vitro. Allele origin: not applicable. Functional consequence: retained intron. Not counted in ClinVar's aggregate classification.

Dr. Peter K. Rogan Lab, Western University
No classification provided (evidence only). Condition: Clear cell carcinoma of kidney. Review status: no classification provided. Collection method: in vitro. Allele origin: not applicable. Functional consequence: retained intron. Not counted in ClinVar's aggregate classification.

Dr. Peter K. Rogan Lab, Western University
No classification provided (evidence only). Condition: Melanoma. Review status: no classification provided. Collection method: in vitro. Allele origin: not applicable. Functional consequence: retained intron. Not counted in ClinVar's aggregate classification.

NM_006939.4(SOS2):c.1071A>G (p.Gln357=)

Gene: SOS2 (SOS Ras/Rho guanine nucleotide exchange factor 2; minus strand). Cytogenetic location: 14q21.3.
Variant type: single nucleotide variant.
Coding change: c.1071A>G on transcript NM_006939.4 (MANE Select); coding-DNA position 1071, A replaced by G.
Protein change: p.Gln357=; no amino-acid change (glutamine 357 retained).
Molecular consequence: synonymous variant.
Genome position (GRCh38, 1-based): chr14:50,161,607, T>C on the plus strand (A>G on the coding strand, the complement: SOS2 is on the minus strand). VCF-style: chr14-50161607-T-C. GRCh37 (hg19) VCF-style: chr14-50628325-T-C.
Other names: p.Gln357=.
Identifiers: ClinVar variation 475738 (VCV000475738.85), dbSNP rs111961549, ClinGen allele CA7177340.